The following is an entry in ClinVar:

NM_003000.3(SDHB):c.273A>T (p.Arg91Ser)

Gene: SDHB (succinate dehydrogenase complex iron sulfur subunit B; minus strand). Cytogenetic location: 1p36.13.
Variant type: single nucleotide variant.
Coding change: c.273A>T on transcript NM_003000.3 (MANE Select); coding-DNA position 273, A replaced by T.
Protein change: p.Arg91Ser; replaces arginine 91 with serine.
Molecular consequence: missense variant.
Genome position (GRCh38, 1-based): chr1:17,033,073, T>A on the plus strand (A>T on the coding strand, the complement: SDHB is on the minus strand). VCF-style: chr1-17033073-T-A. GRCh37 (hg19) VCF-style: chr1-17359568-T-A.
Other names: c.273A>T, p.Arg91Ser (NM_001407361.1); short protein forms R91S.
Identifiers: ClinVar variation 5029286 (VCV005029286.1).

ClinVar aggregate classification (germline): Uncertain significance (1 of 4 stars; one submission).

Conditions:
Hereditary cancer-predisposing syndrome. Also called: Neoplastic Syndromes, Hereditary; Tumor predisposition; Hereditary neoplastic syndrome; Hereditary Cancer Syndrome. Identifiers: Orphanet 140162, MedGen C0027672, MeSH D009386, MONDO:0015356.

Submission:

Ambry Genetics
Classification: Uncertain significance for Hereditary cancer-predisposing syndrome. Last evaluated: 2026-07-30. Review status: criteria provided, single submitter. Criteria: Ambry Variant Classification Scheme 2023. Collection method: clinical testing. Allele origin: germline.
Comment: The p.R91S variant (also known as c.273A>T), located in coding exon 3 of the SDHB gene, results from an A to T substitution at nucleotide position 273. The arginine at codon 91 is replaced by serine, an amino acid with dissimilar properties. This amino acid position is conserved. In addition, this alteration is predicted to be deleterious by in silico analysis. Based on the available evidence, the clinical significance of this variant remains unclear.